The following is an entry in ClinVar:

ClinVar aggregate classification (germline): Benign (1 of 4 stars; one submission).

Conditions:
Cornelia de Lange syndrome 3 (CDLS3). Also called: CORNELIA DE LANGE SYNDROME 3 WITH OR WITHOUT MIDLINE BRAIN DEFECTS; SMC3-Related Cornelia de Lange Syndrome. Identifiers: Orphanet 199, MedGen C1853099, MONDO:0012555, OMIM 610759.

Allele frequency attached by ClinVar (database versions not stated): 1000 Genomes Project 0.00060; 1000 Genomes Project 30x 0.00062; gnomAD 0.00120 and 0.00123; TOPMed 0.00129; gnomAD exomes 0.00165.
gnomAD v4.1: 420 of 298,650 alleles (0.14%); highest among the groups gnomAD compares: Non-Finnish European, 0.22%; 1 homozygote.

Submission:

Illumina Laboratory Services, Illumina
Classification: Benign for Cornelia de Lange syndrome 3. Last evaluated: 2018-01-13. Review status: criteria provided, single submitter. Criteria: ICSL Variant Classification Criteria 13 December 2019. Collection method: clinical testing. Allele origin: germline.
Comment: This variant was observed in the ICSL laboratory as part of a predisposition screen in an ostensibly healthy population. It had not been previously curated by ICSL or reported in the Human Gene Mutation Database (HGMD: prior to June 1st, 2018), and was therefore a candidate for classification through an automated scoring system. Utilizing variant allele frequency, disease prevalence and penetrance estimates, and inheritance mode, an automated score was calculated to assess if this variant is too frequent to cause the disease. Based on the score and internal cut-off values, a variant classified as benign is not then subjected to further curation. The score for this variant resulted in a classification of benign for this disease.

NM_005445.4(SMC3):c.*329C>T

Gene: SMC3 (structural maintenance of chromosomes 3; plus strand). Cytogenetic location: 10q25.2.
Variant type: single nucleotide variant.
Coding change: c.*329C>T on transcript NM_005445.4 (MANE Select); 329 bases downstream of the stop codon, C replaced by T.
Molecular consequence: 3 prime UTR variant.
Genome position (GRCh38, 1-based): chr10:110,604,631, C>T. VCF-style: chr10-110604631-C-T. GRCh37 (hg19) VCF-style: chr10-112364389-C-T.
Identifiers: ClinVar variation 298783 (VCV000298783.5), dbSNP rs182524436, ClinGen allele CA10634551.